The following is an entry in ClinVar:

NM_001146.5(ANGPT1):c.220G>A (p.Val74Met)

Gene: ANGPT1 (angiopoietin 1; minus strand). Cytogenetic location: 8q23.1.
Variant type: single nucleotide variant.
Coding change: c.220G>A on transcript NM_001146.5 (MANE Select); coding-DNA position 220, G replaced by A.
Protein change: p.Val74Met; replaces valine 74 with methionine.
Molecular consequence: missense variant.
Genome position (GRCh38, 1-based): chr8:107,497,339, C>T on the plus strand (G>A on the coding strand, the complement: ANGPT1 is on the minus strand). VCF-style: chr8-107497339-C-T. GRCh37 (hg19) VCF-style: chr8-108509567-C-T.
Other names: c.220G>A, p.Val74Met (NM_001199859.3); short protein forms V74M.
Identifiers: ClinVar variation 1388578 (VCV001388578.8), dbSNP rs761722439, ClinGen allele CA4841426.

ClinVar aggregate classification (germline): Uncertain significance (1 of 4 stars; one submission).

Allele frequency attached by ClinVar (database versions not stated): gnomAD exomes below 0.00001; TOPMed below 0.00001.
gnomAD v4.1: 6 of 1,614,136 alleles (0.00037%); highest among the groups gnomAD compares: East Asian, 0.0022%; no homozygotes.

Submission:

Labcorp Genetics (formerly Invitae), Labcorp
Classification: Uncertain significance. Last evaluated: 2021-07-15. Review status: criteria provided, single submitter. Criteria: Invitae Variant Classification Sherloc (09022015). Collection method: clinical testing. Allele origin: germline.
Comment: In summary, the available evidence is currently insufficient to determine the role of this variant in disease. Therefore, it has been classified as a Variant of Uncertain Significance. Algorithms developed to predict the effect of missense changes on protein structure and function output the following: SIFT: "Tolerated"; PolyPhen-2: "Benign"; Align-GVGD: "Class C0". The methionine amino acid residue is found in multiple mammalian species, which suggests that this missense change does not adversely affect protein function. This variant has not been reported in the literature in individuals affected with ANGPT1-related conditions. This variant is present in population databases (rs761722439, ExAC 0.006%). This sequence change replaces valine with methionine at codon 74 of the ANGPT1 protein (p.Val74Met). The valine residue is weakly conserved and there is a small physicochemical difference between valine and methionine.